The following is an entry in ClinVar:

NM_001290043.2(TAP2):c.82G>A (p.Gly28Arg)

Gene: TAP2 (transporter 2, ATP binding cassette subfamily B member; minus strand). Cytogenetic location: 6p21.32.
Variant type: single nucleotide variant.
Coding change: c.82G>A on transcript NM_001290043.2 (MANE Select); coding-DNA position 82, G replaced by A.
Protein change: p.Gly28Arg; replaces glycine 28 with arginine.
Molecular consequence: missense variant.
Genome position (GRCh38, 1-based): chr6:32,838,152, C>T on the plus strand (G>A on the coding strand, the complement: TAP2 is on the minus strand). VCF-style: chr6-32838152-C-T. GRCh37 (hg19) VCF-style: chr6-32805929-C-T.
Other names: c.82G>A, p.Gly28Arg (NM_000544.3, NM_018833.3); short protein forms G28R.
Identifiers: ClinVar variation 2967823 (VCV002967823.3), dbSNP rs1181169001, ClinGen allele CA363587451.

ClinVar aggregate classification (germline): Uncertain significance. Review status: criteria provided, multiple submitters, no conflicts (2 of 4 stars). 2 submissions from 2 submitters: Uncertain significance (2). Last evaluated 2024-12-04.

Conditions:
Inborn genetic diseases. Identifiers: MedGen C0950123, MeSH D030342.
MHC class I deficiency. Identifiers: Orphanet 34592, MedGen C6024714, MONDO:0011476.

Allele frequency attached by ClinVar (database versions not stated): gnomAD exomes below 0.00001; TOPMed below 0.00001.
gnomAD v4.1: 1 of 1,604,982 alleles (0.000062%); highest among the groups gnomAD compares: Non-Finnish European, 0.000085%; no homozygotes.

Submissions (2):

Ambry Genetics
Classification: Uncertain significance for Inborn genetic diseases. Last evaluated: 2024-12-04. Review status: criteria provided, single submitter. Criteria: Ambry Variant Classification Scheme 2023. Collection method: clinical testing. Allele origin: germline.

Labcorp Genetics (formerly Invitae), Labcorp
Classification: Uncertain significance for MHC class I deficiency 1. Last evaluated: 2023-12-09. Review status: criteria provided, single submitter. Criteria: Invitae Variant Classification Sherloc (09022015). Collection method: clinical testing. Allele origin: germline.
Comment: This sequence change replaces glycine, which is neutral and non-polar, with arginine, which is basic and polar, at codon 28 of the TAP2 protein (p.Gly28Arg). This variant is present in population databases (no rsID available, gnomAD 0.0009%). This variant has not been reported in the literature in individuals affected with TAP2-related conditions. Experimental studies and prediction algorithms are not available or were not evaluated, and the functional significance of this variant is currently unknown. In summary, the available evidence is currently insufficient to determine the role of this variant in disease. Therefore, it has been classified as a Variant of Uncertain Significance.